The following is an entry in ClinVar:

ClinVar aggregate classification (germline): Pathogenic (1 of 4 stars; one submission).

Conditions:
Hereditary nonpolyposis colorectal neoplasms. Identifiers: MedGen C0009405, MeSH D003123.

Submission:

Labcorp Genetics (formerly Invitae), Labcorp
Classification: Pathogenic for Hereditary nonpolyposis colorectal neoplasms. Last evaluated: 2020-12-14. Review status: criteria provided, single submitter. Criteria: Invitae Variant Classification Sherloc (09022015). Collection method: clinical testing. Allele origin: germline.
Comment: For these reasons, this variant has been classified as Pathogenic. The region of the PMS2 gene that includes exons 14-15 has been determined to be clinically significant (PMID: 21618646, 24440087, 26318770, 10037723, 16338176, 20533529). Therefore, deletions that encompass that region are likely to disrupt protein function and cause disease This variant has not been reported in the literature in individuals with PMS2-related conditions. This variant results in the deletion of exons 14 -15 and part of exon 13 (c.2267_*178760del) of the PMS2 gene. While this deletion is not anticipated to lead to nonsense mediated decay, it is expected to alter mRNA translation or result in a truncated protein product.

Literature cited by the submitters: PubMed 21618646; PubMed 24440087; PubMed 26318770; PubMed 10037723; PubMed 16338176; PubMed 20533529.

NC_000007.13:g.(?_5834270)_(6018235_?)del

Genes: CCZ1 (CCZ1 homolog, vacuolar protein trafficking and biogenesis associated; plus strand), OCM (oncomodulin; plus strand), PMS2 (PMS1 homolog 2, mismatch repair system component; minus strand), RSPH10B (radial spoke head 10 homolog B; minus strand). Cytogenetic location: 7p22.1.
Variant type: Deletion.
Identifiers: ClinVar variation 2423253 (VCV002423253.4).